The following is an entry in ClinVar:

NM_001243279.3(ACSF3):c.1535G>A (p.Trp512Ter)

Gene: ACSF3 (acyl-CoA synthetase family member 3; plus strand). Cytogenetic location: 16q24.3.
Variant type: single nucleotide variant.
Coding change: c.1535G>A on transcript NM_001243279.3 (MANE Select); coding-DNA position 1535, G replaced by A.
Protein change: p.Trp512Ter; replaces tryptophan 512 with a stop codon.
Molecular consequence: nonsense. On other transcripts: non-coding transcript variant (4).
Genome position (GRCh38, 1-based): chr16:89,145,971, G>A. VCF-style: chr16-89145971-G-A. GRCh37 (hg19) VCF-style: chr16-89212379-G-A.
Other names: c.1535G>A, p.Trp512Ter (NM_001127214.4, NM_174917.5); c.740G>A, p.Trp247Ter (NM_001284316.2); short protein forms W247*, W512*.
Identifiers: ClinVar variation 843811 (VCV000843811.11), dbSNP rs1450563045, ClinGen allele CA397148929.

ClinVar aggregate classification (germline): Pathogenic/Likely pathogenic. Review status: criteria provided, multiple submitters, no conflicts (2 of 4 stars). 4 submissions from 4 submitters: Pathogenic (1); Likely pathogenic (3). Last evaluated 2025-03-26.

Conditions:
Combined malonic and methylmalonic acidemia. Identifiers: Orphanet 289504, MedGen C3280314, MONDO:0013661, OMIM 614265.

Allele frequency attached by ClinVar (database versions not stated): gnomAD exomes below 0.00001; gnomAD 0.00002 and 0.00003; TOPMed 0.00005.
gnomAD v4.1: 6 of 1,614,016 alleles (0.00037%); highest among the groups gnomAD compares: African/African-American, 0.0067%; no homozygotes.

Submissions (4):

Natera, Inc.
Classification: Likely pathogenic for Combined malonic and methylmalonic aciduria. Last evaluated: 2025-03-26. Review status: criteria provided, single submitter. Criteria: Natera Variant Classification Schema (03/2026). Collection method: clinical testing. Allele origin: germline.
Comment: The c.1535G>A variant in ACSF3 is a nonsense variant predicted to introduce a stop codon at amino acid 512. This variant is expected to result in nonsense mediated decay, truncation, or a dysfunctional protein product. This variant is rare in the general population with a frequency below the threshold expected for the associated phenotype(s). Given the available evidence, this variant is classified as Likely Pathogenic.

Fulgent Genetics
Classification: Likely pathogenic for Combined malonic and methylmalonic acidemia. Last evaluated: 2024-03-25. Review status: criteria provided, single submitter. Criteria: ACMG Guidelines, 2015. Collection method: clinical testing. Allele origin: germline.

Baylor Genetics
Classification: Likely pathogenic for Combined malonic and methylmalonic acidemia. Last evaluated: 2024-02-14. Review status: criteria provided, single submitter. Criteria: ACMG Guidelines, 2015. Collection method: clinical testing. Allele origin: unknown.

Labcorp Genetics (formerly Invitae), Labcorp
Classification: Pathogenic for Combined malonic and methylmalonic acidemia. Last evaluated: 2023-12-18. Review status: criteria provided, single submitter. Criteria: Invitae Variant Classification Sherloc (09022015). Collection method: clinical testing. Allele origin: germline.
Comment: This sequence change creates a premature translational stop signal (p.Trp512*) in the ACSF3 gene. It is expected to result in an absent or disrupted protein product. Loss-of-function variants in ACSF3 are known to be pathogenic (PMID: 21841779, 26827111). This variant is present in population databases (no rsID available, gnomAD 0.007%). This variant has not been reported in the literature in individuals affected with ACSF3-related conditions. ClinVar contains an entry for this variant (Variation ID: 843811). For these reasons, this variant has been classified as Pathogenic.

Literature cited by the submitters: PubMed 21841779 (cited by Labcorp Genetics (formerly Invitae), Labcorp); PubMed 26827111 (cited by Labcorp Genetics (formerly Invitae), Labcorp).